The following is an entry in ClinVar:

ClinVar aggregate classification (germline): Conflicting classifications of pathogenicity. Review status: criteria provided, conflicting classifications (1 of 4 stars). 4 submissions from 4 submitters: Uncertain significance (1); Likely benign (3). Last evaluated 2025-07-21.

Conditions:
Hereditary cancer-predisposing syndrome. Also called: Tumor predisposition; Hereditary Cancer Syndrome; Neoplastic Syndromes, Hereditary; Hereditary neoplastic syndrome. Identifiers: Orphanet 140162, MedGen C0027672, MeSH D009386, MONDO:0015356.
Breast and/or ovarian cancer. Identifiers: MedGen CN221562.
Ataxia-telangiectasia syndrome (AT). Also called: Cerebello-oculocutaneous telangiectasia; Immunodeficiency with ataxia telangiectasia; Ataxia telangiectasia (A-T); LOUIS-BAR SYNDROME; ATAXIA-TELANGIECTASIA, COMPLEMENTATION GROUP A; ATAXIA-TELANGIECTASIA, FRESNO VARIANT. Identifiers: Orphanet 100, MedGen C0004135, MONDO:0008840, OMIM 208900.
Familial cancer of breast. Also called: Hereditary breast cancer; BREAST CANCER, FAMILIAL; hereditary breast carcinoma. Identifiers: Orphanet 227535, MedGen C0346153, MONDO:0016419, OMIM 114480. Disease mechanism: loss of function.

Allele frequency attached by ClinVar (database versions not stated): gnomAD exomes below 0.00001 and 0.00001.
gnomAD v4.1: 3 of 1,613,498 alleles (0.00019%); highest among the groups gnomAD compares: Non-Finnish European, 0.00025%; no homozygotes.

Submissions (4):

Labcorp Genetics (formerly Invitae), Labcorp
Classification: Likely benign for Ataxia-telangiectasia syndrome. Last evaluated: 2025-07-21. Review status: criteria provided, single submitter. Criteria: Invitae Variant Classification Sherloc (09022015). Collection method: clinical testing. Allele origin: germline.

Myriad Genetics, Inc.
Classification: Likely benign for Familial cancer of breast. Last evaluated: 2024-05-13. Review status: criteria provided, single submitter. Criteria: Myriad Autosomal Dominant, Autosomal Recessive and X-Linked Classification Criteria (2023). Collection method: clinical testing. Allele origin: unknown.
Comment: This variant is considered likely benign. This variant is intronic and is not expected to impact mRNA splicing.

CHEO Genetics Diagnostic Laboratory, Children's Hospital of Eastern Ontario
Classification: Uncertain significance for Breast and/or ovarian cancer. Last evaluated: 2021-10-20. Review status: criteria provided, single submitter. Criteria: ACMG Guidelines, 2015. Collection method: clinical testing. Allele origin: germline.

Color Diagnostics, LLC DBA Color Health
Classification: Likely benign for Hereditary cancer-predisposing syndrome. Last evaluated: 2017-11-15. Review status: criteria provided, single submitter. Criteria: ACMG Guidelines, 2015. Collection method: clinical testing. Allele origin: germline.

NM_000051.4(ATM):c.3153+9T>C

Gene: ATM (ATM serine/threonine kinase; plus strand). Cytogenetic location: 11q22.3.
Variant type: single nucleotide variant.
Coding change: c.3153+9T>C on transcript NM_000051.4 (MANE Select); 9 bases into the intron after coding-DNA position 3153, T replaced by C.
Molecular consequence: intron variant.
Genome position (GRCh38, 1-based): chr11:108,272,616, T>C. VCF-style: chr11-108272616-T-C. GRCh37 (hg19) VCF-style: chr11-108143343-T-C.
Other names: c.3153+9T>C (NM_001351834.2).
Identifiers: ClinVar variation 215581 (VCV000215581.16), dbSNP rs770464168, ClinGen allele CA339555.